The following is an entry in ClinVar:

NM_000368.5(TSC1):c.133T>C (p.Leu45=)

Gene: TSC1 (TSC complex subunit 1; minus strand). Cytogenetic location: 9q34.13.
Variant type: single nucleotide variant.
Coding change: c.133T>C on transcript NM_000368.5 (MANE Select); coding-DNA position 133, T replaced by C.
Protein change: p.Leu45=; no amino-acid change (leucine 45 retained).
Molecular consequence: synonymous variant. On other transcripts: intron variant (1).
Genome position (GRCh38, 1-based): chr9:132,927,278, A>G on the plus strand (T>C on the coding strand, the complement: TSC1 is on the minus strand). VCF-style: chr9-132927278-A-G. GRCh37 (hg19) VCF-style: chr9-135802665-A-G.
Other names: c.133T>C, p.Leu45= (NM_001162426.2, NM_001162427.2); c.-154+1489T>C (NM_001362177.2).
Identifiers: ClinVar variation 416655 (VCV000416655.21), dbSNP rs755226092, ClinGen allele CA028371.

ClinVar aggregate classification (germline): Benign/Likely benign. Review status: criteria provided, multiple submitters, no conflicts (2 of 4 stars). 7 submissions from 7 submitters: Benign (3); Likely benign (4). Last evaluated 2026-01-31.

Conditions:
TSC1-related disorder. Also called: TSC1-related condition.
Hereditary cancer-predisposing syndrome. Also called: Hereditary Cancer Syndrome; Tumor predisposition; Hereditary neoplastic syndrome; Neoplastic Syndromes, Hereditary. Identifiers: Orphanet 140162, MedGen C0027672, MeSH D009386, MONDO:0015356.
Tuberous sclerosis syndrome (TSC). Also called: Tuberous sclerosis; Tuberous Sclerosis Complex. Identifiers: Orphanet 805, MedGen C0041341, MONDO:0001734.
Tuberous sclerosis 1 (TSC1). Identifiers: Orphanet 805, MedGen C1854465, MONDO:0008612, OMIM 191100.

Allele frequency attached by ClinVar (database versions not stated): gnomAD 0.00001; gnomAD exomes 0.00001; ExAC 0.00002; TOPMed 0.00002.
gnomAD v4.1: 12 of 1,613,878 alleles (0.00074%); highest among the groups gnomAD compares: Non-Finnish European, 0.001%; no homozygotes.

Submissions (7):

Labcorp Genetics (formerly Invitae), Labcorp
Classification: Benign for Tuberous sclerosis 1. Last evaluated: 2026-01-31. Review status: criteria provided, single submitter. Criteria: Invitae Variant Classification Sherloc (09022015). Collection method: clinical testing. Allele origin: germline.

Myriad Genetics, Inc.
Classification: Benign for Tuberous sclerosis 1. Last evaluated: 2025-04-07. Review status: criteria provided, single submitter. Criteria: Myriad Autosomal Dominant, Autosomal Recessive and X-Linked Classification Criteria (2023). Collection method: clinical testing. Allele origin: unknown.
Comment: This variant is considered benign. This variant is a silent/synonymous amino acid change and it is not expected to impact splicing.

PreventionGenetics, part of Exact Sciences
Classification: Likely benign for TSC1-related condition. Last evaluated: 2024-11-15. Review status: criteria provided, single submitter. Criteria: ACMG Guidelines, 2015. Collection method: clinical testing. Allele origin: germline.
Comment: This variant is classified as likely benign based on ACMG/AMP sequence variant interpretation guidelines (Richards et al. 2015 PMID: 25741868, with internal and published modifications).

All of Us Research Program, National Institutes of Health
Classification: Likely benign for Tuberous sclerosis syndrome. Last evaluated: 2023-12-13. Review status: criteria provided, single submitter. Criteria: ACMG Guidelines, 2015. Collection method: clinical testing. Allele origin: germline. Inheritance: Autosomal dominant inheritance. Observed: 5 variant alleles, 5 heterozygotes.
Comment: This study involves interpretation of variants in research participants for the purpose of population health screening. Participant phenotype was not available at the time of variant classification. Additional details can be found in publication PMID: 35346344, PMCID: PMC8962531

Color Diagnostics, LLC DBA Color Health
Classification: Likely benign for Tuberous sclerosis syndrome. Last evaluated: 2022-05-16. Review status: criteria provided, single submitter. Criteria: ACMG Guidelines, 2015. Collection method: clinical testing. Allele origin: germline.

Genome-Nilou Lab
Classification: Benign for Tuberous sclerosis 1. Last evaluated: 2021-11-07. Review status: criteria provided, single submitter. Criteria: ACMG Guidelines, 2015. Collection method: clinical testing. Allele origin: germline. Affected: no.

Ambry Genetics
Classification: Likely benign for Hereditary cancer-predisposing syndrome. Last evaluated: 2016-02-26. Review status: criteria provided, single submitter. Criteria: Ambry Variant Classification Scheme 2023. Collection method: clinical testing. Allele origin: germline.